The following is an entry in ClinVar:

ClinVar aggregate classification (germline): Uncertain significance (1 of 4 stars; one submission).

Allele frequency attached by ClinVar (database versions not stated): gnomAD exomes below 0.00001; ExAC 0.00002.
gnomAD v4.1: 2 of 1,603,232 alleles (0.00012%); highest among the groups gnomAD compares: South Asian, 0.0023%; no homozygotes.

Submission:

Labcorp Genetics (formerly Invitae), Labcorp
Classification: Uncertain significance. Last evaluated: 2022-08-19. Review status: criteria provided, single submitter. Criteria: Invitae Variant Classification Sherloc (09022015). Collection method: clinical testing. Allele origin: germline.
Comment: In summary, the available evidence is currently insufficient to determine the role of this variant in disease. Therefore, it has been classified as a Variant of Uncertain Significance. Algorithms developed to predict the effect of missense changes on protein structure and function are either unavailable or do not agree on the potential impact of this missense change (SIFT: "Tolerated"; PolyPhen-2: "Possibly Damaging"; Align-GVGD: "Class C0"). This variant has not been reported in the literature in individuals affected with NAF1-related conditions. This variant is present in population databases (rs749825432, gnomAD 0.007%). This sequence change replaces isoleucine, which is neutral and non-polar, with threonine, which is neutral and polar, at codon 286 of the NAF1 protein (p.Ile286Thr).

NM_138386.3(NAF1):c.857T>C (p.Ile286Thr)

Gene: NAF1 (nuclear assembly factor 1 ribonucleoprotein; minus strand). Cytogenetic location: 4q32.2.
Variant type: single nucleotide variant.
Coding change: c.857T>C on transcript NM_138386.3 (MANE Select); coding-DNA position 857, T replaced by C.
Protein change: p.Ile286Thr; replaces isoleucine 286 with threonine.
Molecular consequence: missense variant.
Genome position (GRCh38, 1-based): chr4:163,140,244, A>G on the plus strand (T>C on the coding strand, the complement: NAF1 is on the minus strand). VCF-style: chr4-163140244-A-G. GRCh37 (hg19) VCF-style: chr4-164061396-A-G.
Other names: c.857T>C, p.Ile286Thr (NM_001128931.2); short protein forms I286T.
Identifiers: ClinVar variation 2024752 (VCV002024752.4), dbSNP rs749825432, ClinGen allele CA3126250.
Genomic context (GRCh38, chr4:163,140,244, plus strand): 5'-TTAGGTAAGTGAAGAACAACATGCCGGTAAAGTACTTACTGTTTTAGTTTTTCTGTGAAT[A>G]TATATTGAGTGAAATCTTTCATTGATGGAGCAAAATACATAGTCTCCTTTATTTTAATAC-3'
Protein context (NP_612395.2, residues 276-296): APSMKDFTQY[Ile286Thr]FTEKLKQDKG